The following is an entry in ClinVar:

NM_172107.4(KCNQ2):c.838T>C (p.Tyr280His)

Gene: KCNQ2 (potassium voltage-gated channel subfamily Q member 2; minus strand). Cytogenetic location: 20q13.33.
Variant type: single nucleotide variant.
Coding change: c.838T>C on transcript NM_172107.4 (MANE Select); coding-DNA position 838, T replaced by C.
Protein change: p.Tyr280His; replaces tyrosine 280 with histidine.
Molecular consequence: missense variant.
Genome position (GRCh38, 1-based): chr20:63,439,687, A>G on the plus strand (T>C on the coding strand, the complement: KCNQ2 is on the minus strand). VCF-style: chr20-63439687-A-G. GRCh37 (hg19) VCF-style: chr20-62071040-A-G.
Other names: c.838T>C, p.Tyr280His (NM_001382235.1, NM_004518.6, NM_172106.3 and 2 more transcripts); short protein forms Y280H.
Identifiers: ClinVar variation 982412 (VCV000982412.9), dbSNP rs2081102604, ClinGen allele CA409652707.
Genomic context (GRCh38, chr20:63,439,687, plus strand): 5'-TGAGGGTGAAGGTTGCCGCAAGGAGCCTGCCGTTCCAGGTCTGGGGGTACTTGTCCCCGT[A>G]GCCAATGGTGGTCAGCGTGATCTGTGGGACCGCAGGCTCTAGTCACACGAAGGGCCTGCT-3'
Protein context (NP_742105.1, residues 270-290): WGLITLTTIG[Tyr280His]GDKYPQTWNG

ClinVar aggregate classification (germline): Pathogenic. Review status: criteria provided, multiple submitters, no conflicts (2 of 4 stars). 3 submissions from 3 submitters: Pathogenic (2). 1 of the submissions does not count toward it. Last evaluated 2022-03-22.

Conditions:
Developmental and epileptic encephalopathy, 7 (DEE7). Also called: Early infantile epileptic encephalopathy 7; KCNQ2-Related Neonatal Epileptic Encephalopathy; KCNQ2-Related Neonatal-Onset Developmental and Epileptic Encephalopathy (NEO-DEE). Identifiers: Orphanet 439218, MedGen C3150986, MONDO:0013387, OMIM 613720.
Early-infantile DEE. Also called: Ohtahara syndrome; Early infantile epileptic encephalopathy; Early infantile epileptic encephalopathy with suppression bursts. Identifiers: Orphanet 1934, MedGen C0393706, MONDO:0800491.

Submissions (6):

3billion
Classification: Pathogenic for Developmental and epileptic encephalopathy, 7. Last evaluated: 2022-03-22. Review status: criteria provided, single submitter. Criteria: ACMG Guidelines, 2015. Collection method: clinical testing. Allele origin: germline. Affected: yes. Observed: 1 heterozygote.
Comment: The variant has been previously reported as de novo in a similarly affected individual (PMID: 27779742). Same or different nucleotide change resulting in same amino acid change has been previously reported as pathogenic/likely pathogenic (ClinVar ID: VCV000982412). A different missense change at the same codon has been reported as pathogenic/likely pathogenic with strong evidence (ClinVar ID: VCV000589856). The variant is located in a mutational hot spot and/or well-established functional domain in which established pathogenic variants have been reported. In silico tool predictions suggest damaging effect of the variant on gene or gene product(REVEL: 0.983>=0.6, 3CNET: 0.998>=0.75). A missense variant is a common mechanism w. It is not observed in the gnomAD v2.1.1 dataset. Therefore, this variant is classified as pathogenic according to the recommendation of ACMG/AMP guideline.

Labcorp Genetics (formerly Invitae), Labcorp
Classification: Pathogenic for Early-infantile DEE. Last evaluated: 2022-01-16. Review status: criteria provided, single submitter. Criteria: Invitae Variant Classification Sherloc (09022015). Collection method: clinical testing. Allele origin: germline.
Comment: This variant disrupts the p.Tyr280 amino acid residue in KCNQ2. Other variant(s) that disrupt this residue have been observed in individuals with KCNQ2-related conditions (PMID: 32712949), which suggests that this may be a clinically significant amino acid residue. For these reasons, this variant has been classified as Pathogenic. Advanced modeling of protein sequence and biophysical properties (such as structural, functional, and spatial information, amino acid conservation, physicochemical variation, residue mobility, and thermodynamic stability) performed at Invitae indicates that this missense variant is expected to disrupt KCNQ2 protein function. ClinVar contains an entry for this variant (Variation ID: 982412). This missense change has been observed in individual(s) with KCNQ2-related conditions (PMID: 27779742; Invitae). In at least one individual the variant was observed to be de novo. This variant is not present in population databases (gnomAD no frequency). This sequence change replaces tyrosine, which is neutral and polar, with histidine, which is basic and polar, at codon 280 of the KCNQ2 protein (p.Tyr280His).

Equipe Genetique des Anomalies du Developpement, Université de Bourgogne
Classification: Pathogenic for Developmental and epileptic encephalopathy, 7. Last evaluated: 2020-09-25. Review status: no assertion criteria provided. Collection method: clinical testing. Allele origin: de novo. Affected: yes. Not counted in ClinVar's aggregate classification.

Channelopathy-Associated Epilepsy Research Center
No classification provided (evidence only). Condition: Complex neurodevelopmental disorder. Review status: no classification provided. Collection method: literature only. Allele origin: not applicable. Functional consequence: Severe decrease in peak current, Severe slowing of activation, Mild hyperpolarizing shift of voltage dependence of activation. Not counted in ClinVar's aggregate classification.
ClinVar note: "not provided" was previously submitted as the classification for the variant. However, the classification appeared to be based only on an observation of functional data so it was converted to no classification on 2025-07-30.

Channelopathy-Associated Epilepsy Research Center
No classification provided (evidence only). Review status: no classification provided. Collection method: in vitro. Allele origin: not applicable. Functional consequence: Absence of peak current. Not counted in ClinVar's aggregate classification.

Channelopathy-Associated Epilepsy Research Center
No classification provided (evidence only). Review status: no classification provided. Collection method: in vitro. Allele origin: not applicable. Functional consequence: Absence of peak current. Not counted in ClinVar's aggregate classification.

Literature cited by the submitters: PubMed 27779742 (cited by 3billion and Labcorp Genetics (formerly Invitae), Labcorp); PubMed 32712949 (cited by Labcorp Genetics (formerly Invitae), Labcorp); PubMed 35104249 (cited by Channelopathy-Associated Epilepsy Research Center).